The following is an entry in ClinVar:

ClinVar aggregate classification (germline): Conflicting classifications of pathogenicity. Review status: criteria provided, conflicting classifications (1 of 4 stars). 9 submissions from 9 submitters: Pathogenic (1); Likely pathogenic (5); Uncertain significance (3). Last evaluated 2026-01-26.

Conditions:
Hypophosphatasia. Also called: Phosphoethanol-aminuria. Identifiers: Orphanet 436, MedGen C0020630, MeSH D007014, MONDO:0018570.
Hypophosphataemia or rickets.
ALPL-related disorder. Also called: ALPL-related condition; ALPL-related disorders.
Adult hypophosphatasia. Identifiers: Orphanet 247676, Orphanet 436, MedGen C0268413, MONDO:1010154, OMIM 146300, MONDO:0007798.

Submissions (9):

Labcorp Genetics (formerly Invitae), Labcorp
Classification: Pathogenic. Last evaluated: 2026-01-26. Review status: criteria provided, single submitter. Criteria: Invitae Variant Classification Sherloc (09022015). Collection method: clinical testing. Allele origin: germline.
Comment: This variant, c.335_340dup, results in the insertion of 2 amino acid(s) of the ALPL protein (p.Gly112_Thr113dup), but otherwise preserves the integrity of the reading frame. This variant is not present in population databases (gnomAD no frequency). This variant has been observed in individual(s) with hypophosphatasia (PMID: 21713987; internal data). In at least one individual the data is consistent with being in trans (on the opposite chromosome) from a pathogenic variant. ClinVar contains an entry for this variant (Variation ID: 585386). For these reasons, this variant has been classified as Pathogenic.

Genomenon, Inc
Classification: Likely pathogenic for Hypophosphatasia. Last evaluated: 2025-08-29. Review status: criteria provided, single submitter. Criteria: Genomenon Sequence Variant Interpretation Standards. Collection method: curation. Allele origin: germline. Affected: yes.
Comment: ALPL p.Gly112_Thr113dup (c.335_340dup) is an in-frame duplication variant that results in the duplication of multiple amino acids, from Glycine at position 112 to Threonine at position 113. This variant has been observed in at least one proband affected with hypophosphatasia (PMID:36361766;30655187;25731960). It is absent or not present at a significant frequency in gnomAD. In conclusion, we classify ALPL p.Gly112_Thr113dup (c.335_340dup) as a likely pathogenic variant.

Natera, Inc.
Classification: Likely pathogenic for Hypophosphatasia. Last evaluated: 2025-07-18. Review status: criteria provided, single submitter. Criteria: Natera Variant Classification Schema (03/2026). Collection method: clinical testing. Allele origin: germline.
Comment: The c.335_340dup variant in ALPL is an in-frame insertion. This variant is rare in the general population with a frequency below the threshold expected for the associated phenotype(s). This variant has been observed in one or more individuals affected with the associated recessive disease, as either homozygous or compound heterozygous with a second variant (PMID: 21713987). This variant has been observed in affected individual(s) with monoallelic occurrence (heterozygous/hemizygous) (PMID: 30655187, 36361766). This variant results in a change to the protein length while preserving reading frame, which may disrupt normal protein structure or function. Given the available evidence, this variant is classified as Likely Pathogenic.

Blueprint Genetics
Classification: Likely pathogenic for ALPL-related disorders. Last evaluated: 2024-08-12. Review status: criteria provided, single submitter. Criteria: ACMG Guidelines, 2015. Collection method: clinical testing. Allele origin: germline. Affected: yes. Observed: 4 variant alleles.

Women's Health and Genetics/Laboratory Corporation of America, LabCorp
Classification: Uncertain significance. Last evaluated: 2024-08-06. Review status: criteria provided, single submitter. Criteria: LabCorp Variant Classification Summary - May 2015. Collection method: clinical testing. Allele origin: germline.
Comment: Variant summary: ALPL c.335_340dupGCACCG (p.Gly112_Thr113dup) results in an in-frame duplication that is predicted to duplicate two amino acids into the encoded protein. The variant was absent in 250952 control chromosomes (gnomAD). The variant, c.335_340dupGCACCG, has been reported in the literature in compound heterozygous (Wenkert_2011, Whyte_2015) and heterozygous individuals affected with Hypophosphatasia (e.g. Lefever_2020, Glotov_2022). These data indicate that the variant may be associated with disease. To our knowledge, no experimental evidence demonstrating an impact on protein function has been reported. The following publications have been ascertained in the context of this evaluation (PMID: 21713987, 36361766, 30655187, 25731960). ClinVar contains an entry for this variant (Variation ID: 585386). Based on the evidence outlined above, the variant was classified as VUS-possibly pathogenic.

Cambridge Genomics Laboratory, East Genomic Laboratory Hub, NHS Genomic Medicine Service
Classification: Likely pathogenic for Hypophosphataemia or rickets. Last evaluated: 2024-02-28. Review status: criteria provided, single submitter. Criteria: ACGS Best Practice Guidelines for Variant Classification in Rare Disease 2020. Collection method: clinical testing. Allele origin: germline. Affected: yes.
Comment: The p.Gly112_Thr113dup variant is novel (not in any individuals) in gnomAD All. The p.Gly112_Thr113dup variant is novel (not in any individuals) in 1kG All. The p.Gly112_Thr113dup variant is observed in 1/68.042 (0.0015%) alleles from individuals of gnomAD Genomes v3 Non Finnish European background in gnomAD Genomes v3 All. (PM2 - Moderate) | The p.Gly112_Thr113dup variant is not in a repeat region. The p.Gly112_Thr113dup variant results in a insertion of a base that is predicted conserved by GERP++ and PhyloP. (PM4 - Moderate) | The variant is observed in trans (in a compound heterozygous state) with another pathogenic variant. (PM3 - Moderate) | The patient's phenotype or family history is highly specific for a disease with a single genetic etiology. (PP4 - Supporting)

Baylor Genetics
Classification: Likely pathogenic for Adult hypophosphatasia. Last evaluated: 2023-06-20. Review status: criteria provided, single submitter. Criteria: ACMG Guidelines, 2015. Collection method: clinical testing. Allele origin: unknown.

GeneDx
Classification: Uncertain significance. Last evaluated: 2019-05-28. Review status: criteria provided, single submitter. Criteria: GeneDx Variant Classification Process June 2021. Collection method: clinical testing. Allele origin: germline. Affected: yes.
Comment: Not observed in large population cohorts (Lek et al., 2016); In-frame insertion of two amino acids in a non-repeat region; Has not been previously published as pathogenic or benign to our knowledge

Athena Diagnostics
Classification: Uncertain significance. Last evaluated: 2017-10-17. Review status: criteria provided, single submitter. Criteria: Athena Diagnostics Criteria. Collection method: clinical testing. Allele origin: germline.

Literature cited by the submitters: PubMed 21713987 (cited by 4 submitters); PubMed 36361766 (cited by 3 submitters); PubMed 30655187 (cited by 3 submitters); PubMed 25731960 (cited by Genomenon, Inc and Women's Health and Genetics/Laboratory Corporation of America, LabCorp).

NM_000478.6(ALPL):c.335_340dup (p.Gly112_Thr113dup)

Gene: ALPL (alkaline phosphatase, biomineralization associated; plus strand). Cytogenetic location: 1p36.12.
Variant type: Duplication.
Coding change: c.335_340dup on transcript NM_000478.6 (MANE Select); coding-DNA positions 335 to 340, 6 bases duplicated (GCACCG; older notation c.335_340dupGCACCG).
Protein change: p.Gly112_Thr113dup.
Molecular consequence: inframe insertion.
Genome position (GRCh38, 1-based): chr1:21,563,147-21,563,152, GCACCG duplicated; duplicating any 6 consecutive bases within chr1:21,563,144-21,563,152 gives the same sequence; the c. name uses the placement nearest the transcript's 3' end. VCF-style (leftmost placement, unchanged base first): chr1-21563143-G-GCCGGCA. GRCh37 (hg19) VCF-style: chr1-21889636-G-GCCGGCA.
Other names: c.335_340dupGCACCG (NM_000478.6); c.170_175dup, p.Gly57_Thr58dup (NM_001127501.4); c.104_109dup, p.Gly35_Thr36dup (NM_001177520.3); c.335_340dup, p.Gly112_Thr113dup (NM_001369803.2, NM_001369804.2, NM_001369805.2).
Identifiers: ClinVar variation 585386 (VCV000585386.18), dbSNP rs931041761, ClinGen allele CA19059142.
Genomic context (GRCh38, chr1:21,563,143, plus strand): 5'-CTCCTGACCCTCCTCTCCCACCTGCAGACGTACAACACCAATGCCCAGGTCCCTGACAGT[G>GCCGGCA]CCGGCACCGCCACCGCCTACCTGTGTGGGGTGAAGGCCAATGAGGGCACCGTGGGGGTAA-3'